The following is an entry in ClinVar:

ClinVar aggregate classification (germline): Uncertain significance (1 of 4 stars; one submission).

Conditions:
Developmental and epileptic encephalopathy, 11 (DEE11). Also called: Early infantile epileptic encephalopathy 11. Identifiers: Orphanet 1934, MedGen C3150987, MONDO:0013388, OMIM 613721.
Seizures, benign familial infantile, 3 (BFIS3). Also called: Familial neonatal seizures; CONVULSIONS, BENIGN FAMILIAL INFANTILE, 3. Identifiers: Orphanet 140927, Orphanet 306, MedGen C1843140, MONDO:0011904, OMIM 607745.

Submission:

Labcorp Genetics (formerly Invitae), Labcorp
Classification: Uncertain significance for Seizures, benign familial infantile, 3; Developmental and epileptic encephalopathy, 11. Last evaluated: 2023-10-30. Review status: criteria provided, single submitter. Criteria: Invitae Variant Classification Sherloc (09022015). Collection method: clinical testing. Allele origin: germline.
Comment: This sequence change replaces proline, which is neutral and non-polar, with alanine, which is neutral and non-polar, at codon 1972 of the SCN2A protein (p.Pro1972Ala). This variant is not present in population databases (gnomAD no frequency). This variant has not been reported in the literature in individuals affected with SCN2A-related conditions. Advanced modeling of protein sequence and biophysical properties (such as structural, functional, and spatial information, amino acid conservation, physicochemical variation, residue mobility, and thermodynamic stability) performed at Invitae indicates that this missense variant is expected to disrupt SCN2A protein function with a positive predictive value of 95%. In summary, the available evidence is currently insufficient to determine the role of this variant in disease. Therefore, it has been classified as a Variant of Uncertain Significance.

NM_001040142.2(SCN2A):c.5914C>G (p.Pro1972Ala)

Gene: SCN2A (sodium voltage-gated channel alpha subunit 2; plus strand). Cytogenetic location: 2q24.3.
Variant type: single nucleotide variant.
Coding change: c.5914C>G on transcript NM_001040142.2 (MANE Select); coding-DNA position 5914, C replaced by G.
Protein change: p.Pro1972Ala; replaces proline 1972 with alanine.
Molecular consequence: missense variant.
Genome position (GRCh38, 1-based): chr2:165,389,720, C>G. VCF-style: chr2-165389720-C-G. GRCh37 (hg19) VCF-style: chr2-166246230-C-G.
Other names: c.5914C>G, p.Pro1972Ala (NM_001040143.2, NM_001371246.1, NM_001371247.1 and 1 more transcripts); short protein forms P1972A.
Identifiers: ClinVar variation 2950596 (VCV002950596.3), dbSNP rs2468161062, ClinGen allele CA349041512.